The following is an entry in ClinVar:

ClinVar aggregate classification (germline): Uncertain significance (1 of 4 stars; one submission).

Submission:

GeneDx
Classification: Uncertain significance. Last evaluated: 2024-08-13. Review status: criteria provided, single submitter. Criteria: GeneDx Variant Classification Process June 2021. Collection method: clinical testing. Allele origin: germline. Affected: yes.
Comment: Not observed at significant frequency in large population cohorts (gnomAD); In silico analysis indicates that this missense variant does not alter protein structure/function; Has not been previously published as pathogenic or benign to our knowledge

NM_018489.3(ASH1L):c.4104C>A (p.Ser1368Arg)

Gene: ASH1L (ASH1 like histone lysine methyltransferase; minus strand). Cytogenetic location: 1q22.
Variant type: single nucleotide variant.
Coding change: c.4104C>A on transcript NM_018489.3 (MANE Select); coding-DNA position 4104, C replaced by A.
Protein change: p.Ser1368Arg; replaces serine 1368 with arginine.
Molecular consequence: missense variant.
Genome position (GRCh38, 1-based): chr1:155,478,766, G>T on the plus strand (C>A on the coding strand, the complement: ASH1L is on the minus strand). VCF-style: chr1-155478766-G-T. GRCh37 (hg19) VCF-style: chr1-155448557-G-T.
Other names: c.4104C>A, p.Ser1368Arg (NM_001366177.2); short protein forms S1368R.
Identifiers: ClinVar variation 3731194 (VCV003731194.1).